The following is an entry in ClinVar:

ClinVar aggregate classification (germline): Uncertain significance (1 of 4 stars; one submission).

Conditions:
Pitt-Hopkins-like syndrome 2 (PTHSL2). Identifiers: Orphanet 221150, Orphanet 600663, MedGen C3280479, MONDO:0013690, OMIM 614325.

Allele frequency attached by ClinVar (database versions not stated): TOPMed below 0.00001; gnomAD 0.00001; 1000 Genomes Project 30x 0.00031.
gnomAD v4.1: 2 of 1,585,792 alleles (0.00013%); highest among the groups gnomAD compares: East Asian, 0.0023%; no homozygotes.

Submission:

Labcorp Genetics (formerly Invitae), Labcorp
Classification: Uncertain significance for Pitt-Hopkins-like syndrome 2. Last evaluated: 2023-08-18. Review status: criteria provided, single submitter. Criteria: Invitae Variant Classification Sherloc (09022015). Collection method: clinical testing. Allele origin: germline.
Comment: This sequence change replaces glutamic acid, which is acidic and polar, with glutamine, which is neutral and polar, at codon 218 of the NRXN1 protein (p.Glu218Gln). This variant is present in population databases (no rsID available, gnomAD 0.008%). This variant has not been reported in the literature in individuals affected with NRXN1-related conditions. ClinVar contains an entry for this variant (Variation ID: 539878). An algorithm developed to predict the effect of missense changes on protein structure and function (PolyPhen-2) suggests that this variant¬†is likely to be tolerated. In summary, the available evidence is currently insufficient to determine the role of this variant in disease. Therefore, it has been classified as a Variant of Uncertain Significance.

NM_001330078.2(NRXN1):c.652G>C (p.Glu218Gln)

Gene: NRXN1 (neurexin 1; minus strand). Cytogenetic location: 2p16.3.
Variant type: single nucleotide variant.
Coding change: c.652G>C on transcript NM_001330078.2 (MANE Select); coding-DNA position 652, G replaced by C.
Protein change: p.Glu218Gln; replaces glutamic acid 218 with glutamine.
Molecular consequence: missense variant.
Genome position (GRCh38, 1-based): chr2:51,027,622, C>G on the plus strand (G>C on the coding strand, the complement: NRXN1 is on the minus strand). VCF-style: chr2-51027622-C-G. GRCh37 (hg19) VCF-style: chr2-51254760-C-G.
Other names: c.652G>C, p.Glu218Gln (NM_001135659.3, NM_001330077.2, NM_001330079.2 and 15 more transcripts); short protein forms E218Q.
Identifiers: ClinVar variation 539878 (VCV000539878.6), dbSNP rs756078185, ClinGen allele CA346823570.
Genomic context (GRCh38, chr2:51,027,622, plus strand): 5'-CCACCACGGAGCACACACCTCCGTTGAGGCACACCCCGCCCTCGCCCTCCTCGCCCGCCT[C>G]GCACGGGCTTCCCCCGCCGCTGTTGGGCGGCTCATCGTCCAGCTTCACCTCGCCGCTGTC-3'
Protein context (NP_001317007.1, residues 208-228): PPNSGGGSPC[Glu218Gln]AGEEGEGGVC